The following is an entry in ClinVar:

ClinVar aggregate classification (germline): Likely pathogenic (1 of 4 stars; one submission).

Conditions:
Hereditary nonpolyposis colon cancer (HNPCC). Also called: Hereditary Nonpolyposis Colorectal Cancer Syndrome; Hereditary nonpolyposis colorectal cancer; Familial nonpolyposis colon cancer. Identifiers: Orphanet 443909, MedGen C1333990, MONDO:0018630. Disease mechanism: loss of function.

Submission:

Women's Health and Genetics/Laboratory Corporation of America, LabCorp
Classification: Likely pathogenic for Lynch syndrome. Last evaluated: 2019-09-10. Review status: criteria provided, single submitter. Criteria: LabCorp Variant Classification Summary - May 2015. Collection method: clinical testing. Allele origin: germline.
Comment: Variant summary: MSH6 c.2419delG (p.Glu807LysfsX3) results in a premature termination codon, predicted to cause a truncation of the encoded protein or absence of the protein due to nonsense mediated decay, which are commonly known mechanisms for disease. Truncations downstream of this position have been classified as pathogenic by our laboratory. The variant was absent in 250478 control chromosomes (gnomAD). To our knowledge, no occurrence of c.2419delG in individuals affected with Hereditary Non-Polyposis Colon Cancer and no experimental evidence demonstrating its impact on protein function have been reported. No clinical diagnostic laboratories have submitted clinical-significance assessments for this variant to ClinVar after 2014. Based on the evidence outlined above, the variant was classified as likely pathogenic.

NM_000179.3(MSH6):c.2419del (p.Glu807fs)

Gene: MSH6 (mutS homolog 6; plus strand). Cytogenetic location: 2p16.3.
Variant type: Deletion.
Coding change: c.2419del on transcript NM_000179.3 (MANE Select); coding-DNA position 2419, one base deleted (G; older notation c.2419delG).
Protein change: p.Glu807fs; shifts the reading frame from glutamic acid 807.
Molecular consequence: frameshift variant.
Genome position (GRCh38, 1-based): chr2:47,800,402, G deleted. VCF-style (leftmost placement, unchanged base first): chr2-47800401-CG-C. GRCh37 (hg19) VCF-style: chr2-48027540-CG-C.
Other names: c.2029del, p.Glu677fs (NM_001281492.2); c.1513del, p.Glu505fs (NM_001281493.2, NM_001281494.2); short protein forms E505fs, E677fs, E807fs.
Identifiers: ClinVar variation 928989 (VCV000928989.1), dbSNP rs1669460814, ClinGen allele CA1139655867.